The following is an entry in ClinVar:

ClinVar aggregate classification (germline): Likely benign. Review status: criteria provided, single submitter (1 of 4 stars). 2 submissions from 2 submitters: Likely benign (1). 1 of the submissions does not count toward it. Last evaluated 2024-09-08.

Conditions:
MARS1-related disorder. Also called: MARS1-related condition.
Charcot-Marie-Tooth disease axonal type 2U. Also called: CHARCOT-MARIE-TOOTH NEUROPATHY, TYPE 2U; CHARCOT-MARIE-TOOTH DISEASE, AXONAL, AUTOSOMAL DOMINANT, TYPE 2U. Identifiers: Orphanet 397735, MedGen C4084821, MONDO:0014566, OMIM 616280.
Severe early-onset pulmonary alveolar proteinosis due to MARS deficiency. Also called: PULMONARY ALVEOLAR PROTEINOSIS, REUNION ISLAND; Interstitial lung and liver disease. Identifiers: Orphanet 440427, MedGen C4225400, MONDO:0014206, OMIM 615486.

Allele frequency attached by ClinVar (database versions not stated): gnomAD exomes below 0.00001; TOPMed below 0.00001; gnomAD 0.00001.
gnomAD v4.1: 2 of 1,614,092 alleles (0.00012%); highest among the groups gnomAD compares: Non-Finnish European, 0.00017%; no homozygotes.

Submissions (2):

Labcorp Genetics (formerly Invitae), Labcorp
Classification: Likely benign for Charcot-Marie-Tooth disease axonal type 2U; Severe early-onset pulmonary alveolar proteinosis due to MARS deficiency. Last evaluated: 2024-09-08. Review status: criteria provided, single submitter. Criteria: Invitae Variant Classification Sherloc (09022015). Collection method: clinical testing. Allele origin: germline.

PreventionGenetics, part of Exact Sciences
Classification: Likely benign for MARS1-related condition. Last evaluated: 2022-07-11. Review status: no assertion criteria provided. Collection method: clinical testing. Allele origin: germline. Not counted in ClinVar's aggregate classification.
Comment: This variant is classified as likely benign based on ACMG/AMP sequence variant interpretation guidelines (Richards et al. 2015 PMID: 25741868, with internal and published modifications).

NM_004990.4(MARS1):c.1164A>G (p.Arg388=)

Gene: MARS1 (methionyl-tRNA synthetase 1; plus strand). Cytogenetic location: 12q13.3.
Variant type: single nucleotide variant.
Coding change: c.1164A>G on transcript NM_004990.4 (MANE Select); coding-DNA position 1164, A replaced by G.
Protein change: p.Arg388=; no amino-acid change (arginine 388 retained).
Molecular consequence: synonymous variant.
Genome position (GRCh38, 1-based): chr12:57,500,393, A>G. VCF-style: chr12-57500393-A-G. GRCh37 (hg19) VCF-style: chr12-57894176-A-G.
Identifiers: ClinVar variation 3058329 (VCV003058329.4), dbSNP rs1460715874, ClinGen allele CA480257593.